The following is an entry in ClinVar:

ClinVar aggregate classification (germline): Uncertain significance (1 of 4 stars; one submission).

Conditions:
MLXIPL-related disorder. Also called: MLXIPL-related condition.

Submission:

PreventionGenetics, part of Exact Sciences
Classification: Uncertain significance for MLXIPL-related condition. Last evaluated: 2023-06-12. Review status: criteria provided, single submitter. Criteria: ACMG Guidelines, 2015. Collection method: clinical testing. Allele origin: germline.
Comment: The MLXIPL c.712G>C variant is predicted to result in the amino acid substitution p.Gly238Arg. To our knowledge, this variant has not been reported in the literature or in a large population database, indicating this variant is rare. At this time, the clinical significance of this variant is uncertain due to the absence of conclusive functional and genetic evidence.

NM_032951.3(MLXIPL):c.712G>C (p.Gly238Arg)

Gene: MLXIPL (MLX interacting protein like; minus strand). Cytogenetic location: 7q11.23.
Variant type: single nucleotide variant.
Coding change: c.712G>C on transcript NM_032951.3 (MANE Select); coding-DNA position 712, G replaced by C.
Protein change: p.Gly238Arg; replaces glycine 238 with arginine.
Molecular consequence: missense variant. On other transcripts: non-coding transcript variant (1).
Genome position (GRCh38, 1-based): chr7:73,606,018, C>G on the plus strand (G>C on the coding strand, the complement: MLXIPL is on the minus strand). VCF-style: chr7-73606018-C-G. GRCh37 (hg19) VCF-style: chr7-73020348-C-G.
Other names: c.712G>C, p.Gly238Arg (NM_032952.3, NM_032953.3, NM_032954.3); short protein forms G238R.
Identifiers: ClinVar variation 2632673 (VCV002632673.1), dbSNP rs782778206, ClinGen allele CA367828416.